The following is an entry in ClinVar:

NM_001365536.1(SCN9A):c.144G>T (p.Lys48Asn)

Gene: SCN9A (sodium voltage-gated channel alpha subunit 9; minus strand). Cytogenetic location: 2q24.3.
Variant type: single nucleotide variant.
Coding change: c.144G>T on transcript NM_001365536.1 (MANE Select); coding-DNA position 144, G replaced by T.
Protein change: p.Lys48Asn; replaces lysine 48 with asparagine.
Molecular consequence: missense variant.
Genome position (GRCh38, 1-based): chr2:166,311,613, C>A on the plus strand (G>T on the coding strand, the complement: SCN9A is on the minus strand). VCF-style: chr2-166311613-C-A. GRCh37 (hg19) VCF-style: chr2-167168123-C-A.
Other names: c.144G>T, p.Lys48Asn (NM_002977.4); short protein forms K48N.
Identifiers: ClinVar variation 4783446 (VCV004783446.1).
Genomic context (GRCh38, chr2:166,311,613, plus strand): 5'-GGGAGGAATGTCCCCATAGATGAAGGGCAGCTGTTTGCCAGCTTCCAAGTCACTGCTTGG[C>A]TTTGGGGCTTCTTCATCATCATCTTTCTTTTCTTCTTTGGGTTCCTTTGATTTTCTTTCA-3'
Protein context (NP_001352465.1, residues 38-58): EKKDDDEEAP[Lys48Asn]PSSDLEAGKQ

ClinVar aggregate classification (germline): Uncertain significance (1 of 4 stars; one submission).

Conditions:
Neuropathy, hereditary sensory and autonomic, type 2A (HSAN2A). Also called: ACROOSTEOLYSIS, GIACCAI TYPE; ACROOSTEOLYSIS, NEUROGENIC; WNK1-Related HSAN2 (HSAN2A); NEUROPATHY, HEREDITARY SENSORY RADICULAR, AUTOSOMAL RECESSIVE; MORVAN DISEASE; NEUROPATHY, CONGENITAL SENSORY. Identifiers: Orphanet 970, MedGen C2752089, MONDO:0024309, OMIM 201300.
Generalized epilepsy with febrile seizures plus, type 7 (GEFSP7). Also called: GEFS+, TYPE 7. Identifiers: Orphanet 36387, MedGen C2751778, MONDO:0013470, OMIM 613863.

Submission:

Labcorp Genetics (formerly Invitae), Labcorp
Classification: Uncertain significance for Neuropathy, hereditary sensory and autonomic, type 2A; Generalized epilepsy with febrile seizures plus, type 7. Last evaluated: 2025-09-08. Review status: criteria provided, single submitter. Criteria: Invitae Variant Classification Sherloc (09022015). Collection method: clinical testing. Allele origin: germline.
Comment: This sequence change replaces lysine, which is basic and polar, with asparagine, which is neutral and polar, at codon 48 of the SCN9A protein (p.Lys48Asn). This variant is not present in population databases (gnomAD no frequency). This variant has not been reported in the literature in individuals affected with SCN9A-related conditions. Invitae Evidence Modeling of protein sequence and biophysical properties (such as structural, functional, and spatial information, amino acid conservation, physicochemical variation, residue mobility, and thermodynamic stability) indicates that this missense variant is not expected to disrupt SCN9A protein function with a negative predictive value of 95%. In summary, the available evidence is currently insufficient to determine the role of this variant in disease. Therefore, it has been classified as a Variant of Uncertain Significance.